The following is an entry in ClinVar:

NM_000875.5(IGF1R):c.*5909G>A

Gene: IGF1R (insulin like growth factor 1 receptor; plus strand). Cytogenetic location: 15q26.3.
Variant type: single nucleotide variant.
Coding change: c.*5909G>A on transcript NM_000875.5 (MANE Select); 5909 bases downstream of the stop codon, G replaced by A.
Molecular consequence: 3 prime UTR variant.
Genome position (GRCh38, 1-based): chr15:98,963,351, G>A. VCF-style: chr15-98963351-G-A. GRCh37 (hg19) VCF-style: chr15-99506580-G-A.
Other names: c.*5909G>A (NM_001291858.2).
Identifiers: ClinVar variation 884258 (VCV000884258.5), dbSNP rs187072868, ClinGen allele CA275341442.
Genomic context (GRCh38, chr15:98,963,351, plus strand): 5'-CATCCGTGGTTCACCCTCTTTTCCCCCCATGCTTTTTGCCCTAGTTTATAACAAAGGAAT[G>A]ATGATGATTTAAAAAGTAGTTCTGTATCTTCAGTATCTTGGTCTTCCAGAACCCTCTGGT-3'

ClinVar aggregate classification (germline): Likely benign. Review status: criteria provided, multiple submitters, no conflicts (2 of 4 stars). 2 submissions from 2 submitters: Likely benign (2). Last evaluated 2018-01-13.

Conditions:
Growth delay due to insulin-like growth factor I resistance. Also called: Insulin-Like Growth Factor I Resistance; Somatomedin end-organ insensitivity to; Somatomedin-c resistance to; IGF-1 resistance; IGF-I RESISTANCE. Identifiers: Orphanet 73273, MedGen C1849157, MONDO:0010038, OMIM 270450.

Allele frequency attached by ClinVar (database versions not stated): 1000 Genomes Project 0.00080; gnomAD 0.00110 and 0.00113; TOPMed 0.00128; gnomAD exomes 0.00129.
gnomAD v4.1: 275 of 233,382 alleles (0.12%); highest among the groups gnomAD compares: Middle Eastern, 0.25%; no homozygotes.

Submissions (2):

Illumina Laboratory Services, Illumina
Classification: Likely benign for Growth delay due to insulin-like growth factor I resistance. Last evaluated: 2018-01-13. Review status: criteria provided, single submitter. Criteria: ICSL Variant Classification Criteria 13 December 2019. Collection method: clinical testing. Allele origin: germline.
Comment: This variant was observed in the ICSL laboratory as part of a predisposition screen in an ostensibly healthy population. It had not been previously curated by ICSL or reported in the Human Gene Mutation Database (HGMD: prior to June 1st, 2018), and was therefore a candidate for classification through an automated scoring system. Utilizing variant allele frequency, disease prevalence and penetrance estimates, and inheritance mode, an automated score was calculated to assess if this variant is too frequent to cause the disease. Based on the score and internal cut-off values, a variant classified as likely benign is not then subjected to further curation. The score for this variant resulted in a classification of likely benign for this disease.

Breakthrough Genomics
Classification: Likely benign. Review status: criteria provided, single submitter. Criteria: ACMG Guidelines, 2015. Collection method: not provided. Allele origin: germline. Inheritance: Autosomal dominant inheritance. Affected: yes.